The following is an entry in ClinVar:

ClinVar aggregate classification (germline): Uncertain significance (1 of 4 stars; one submission).

Conditions:
Charcot-Marie-Tooth disease type 4. Also called: Charcot-Marie-Tooth disease, type IV; Charcot-Marie-Tooth, Type 4. Identifiers: Orphanet 64749, MedGen C4082197, MONDO:0018995.

Allele frequency attached by ClinVar (database versions not stated): gnomAD 0.00001; TOPMed 0.00002.
gnomAD v4.1: 1 of 1,613,944 alleles (0.000062%); highest among the groups gnomAD compares: Non-Finnish European, 0.000085%; no homozygotes.

Submission:

Labcorp Genetics (formerly Invitae), Labcorp
Classification: Uncertain significance for Charcot-Marie-Tooth disease type 4. Last evaluated: 2022-08-16. Review status: criteria provided, single submitter. Criteria: Invitae Variant Classification Sherloc (09022015). Collection method: clinical testing. Allele origin: germline.
Comment: This sequence change replaces leucine, which is neutral and non-polar, with serine, which is neutral and polar, at codon 257 of the NDRG1 protein (p.Leu257Ser). This variant is not present in population databases (gnomAD no frequency). This variant has not been reported in the literature in individuals affected with NDRG1-related conditions. Algorithms developed to predict the effect of missense changes on protein structure and function (SIFT, PolyPhen-2, Align-GVGD) all suggest that this variant is likely to be disruptive. In summary, the available evidence is currently insufficient to determine the role of this variant in disease. Therefore, it has been classified as a Variant of Uncertain Significance.

NM_006096.4(NDRG1):c.770T>C (p.Leu257Ser)

Genes: NDRG1 (N-myc downstream regulated 1; minus strand), LOC126860531 (CDK7 strongly-dependent group 2 enhancer GRCh37_chr8:134259869-134261068; plus strand). Cytogenetic location: 8q24.22.
Variant type: single nucleotide variant.
Coding change: c.770T>C on transcript NM_006096.4 (MANE Select); coding-DNA position 770, T replaced by C.
Protein change: p.Leu257Ser; replaces leucine 257 with serine.
Molecular consequence: missense variant.
Genome position (GRCh38, 1-based): chr8:133,247,912, A>G on the plus strand (T>C on the coding strand, the complement: NDRG1 is on the minus strand). VCF-style: chr8-133247912-A-G. GRCh37 (hg19) VCF-style: chr8-134260155-A-G.
Other names: c.770T>C, p.Leu257Ser (NM_001135242.2, NM_001374845.1, NM_001374846.1); c.572T>C, p.Leu191Ser (NM_001258432.2, NM_001374847.1); c.527T>C, p.Leu176Ser (NM_001258433.2); c.821T>C, p.Leu274Ser (NM_001374844.1); short protein forms L176S, L257S, L274S, L191S.
Identifiers: ClinVar variation 1969374 (VCV001969374.2), dbSNP rs1371058450, ClinGen allele CA372255098.